The following is an entry in ClinVar:

NM_002334.4(LRP4):c.4397T>C (p.Ile1466Thr)

Genes: LRP4 (LDL receptor related protein 4; minus strand), LRP4-AS1 (LRP4 antisense RNA 1; plus strand). Cytogenetic location: 11p11.2.
Variant type: single nucleotide variant.
Coding change: c.4397T>C on transcript NM_002334.4 (MANE Select); coding-DNA position 4397, T replaced by C.
Protein change: p.Ile1466Thr; replaces isoleucine 1466 with threonine.
Molecular consequence: missense variant. On other transcripts: non-coding transcript variant (1).
Genome position (GRCh38, 1-based): chr11:46,873,426, A>G on the plus strand (T>C on the coding strand, the complement: LRP4 is on the minus strand). VCF-style: chr11-46873426-A-G. GRCh37 (hg19) VCF-style: chr11-46894977-A-G.
Other names: short protein forms I1466T.
Identifiers: ClinVar variation 1929641 (VCV001929641.2), dbSNP rs1311656499, ClinGen allele CA380268732.

ClinVar aggregate classification (germline): Uncertain significance (1 of 4 stars; one submission).

Conditions:
Congenital myasthenic syndrome 17. Identifiers: Orphanet 590, MedGen C4225377, MONDO:0014578, OMIM 616304.
Sclerosteosis 2 (SOST2). Identifiers: Orphanet 3152, MedGen C3280402, MONDO:0013679, OMIM 614305.
Cenani-Lenz syndactyly syndrome. Also called: SYNDACTYLY, TYPE VII; CENANI SYNDACTYLISM. Identifiers: Orphanet 3258, MedGen C1859309, MONDO:0008931, OMIM 212780.

Allele frequency attached by ClinVar (database versions not stated): gnomAD exomes below 0.00001; gnomAD 0.00001.
gnomAD v4.1: 2 of 1,613,998 alleles (0.00012%); highest among the groups gnomAD compares: Admixed American, 0.0033%; no homozygotes.

Submission:

Labcorp Genetics (formerly Invitae), Labcorp
Classification: Uncertain significance for Cenani-Lenz syndactyly syndrome; Sclerosteosis 2; Congenital myasthenic syndrome 17. Last evaluated: 2022-08-20. Review status: criteria provided, single submitter. Criteria: Invitae Variant Classification Sherloc (09022015). Collection method: clinical testing. Allele origin: germline.
Comment: This sequence change replaces isoleucine, which is neutral and non-polar, with threonine, which is neutral and polar, at codon 1466 of the LRP4 protein (p.Ile1466Thr). This variant is present in population databases (no rsID available, gnomAD 0.003%). This variant has not been reported in the literature in individuals affected with LRP4-related conditions. Algorithms developed to predict the effect of missense changes on protein structure and function are either unavailable or do not agree on the potential impact of this missense change (SIFT: "Deleterious"; PolyPhen-2: "Benign"; Align-GVGD: "Class C25"). In summary, the available evidence is currently insufficient to determine the role of this variant in disease. Therefore, it has been classified as a Variant of Uncertain Significance.